The following is an entry in ClinVar:

ClinVar aggregate classification (germline): Likely pathogenic (1 of 4 stars; one submission).

Conditions:
Very long chain acyl-CoA dehydrogenase deficiency (ACADVLD). Also called: VLCAD Deficiency; Very Long-Chain Acyl-Coenzyme A Dehydrogenase Deficiency. Identifiers: Orphanet 26793, MedGen C3887523, MONDO:0008723, OMIM 201475.

Allele frequency attached by ClinVar (database versions not stated): gnomAD exomes below 0.00001.
gnomAD v4.1: 1 of 1,614,112 alleles (0.000062%); highest among the groups gnomAD compares: African/African-American, 0.0013%; no homozygotes.

Submission:

Labcorp Genetics (formerly Invitae), Labcorp
Classification: Likely pathogenic for Very long chain acyl-CoA dehydrogenase deficiency. Last evaluated: 2025-12-28. Review status: criteria provided, single submitter. Criteria: Invitae Variant Classification Sherloc (09022015). Collection method: clinical testing. Allele origin: germline.
Comment: This sequence change affects codon 284 of the ACADVL mRNA. It is a 'silent' change, meaning that it does not change the encoded amino acid sequence of the ACADVL protein. This variant is not present in population databases (gnomAD no frequency). This variant has been observed in individual(s) with very long-chain acyl-CoA dehydrogenase deficiency (internal data). In at least one individual the data is consistent with being in trans (on the opposite chromosome) from a pathogenic variant. ClinVar contains an entry for this variant (Variation ID: 2119597). Algorithms developed to predict the effect of sequence changes on RNA splicing suggest that this variant may create or strengthen a splice site. In summary, the currently available evidence indicates that the variant is pathogenic, but additional data are needed to prove that conclusively. Therefore, this variant has been classified as Likely Pathogenic.

NM_000018.4(ACADVL):c.852G>A (p.Val284=)

Gene: ACADVL (acyl-CoA dehydrogenase very long chain; plus strand). Cytogenetic location: 17p13.1.
Variant type: single nucleotide variant.
Coding change: c.852G>A on transcript NM_000018.4 (MANE Select); coding-DNA position 852, G replaced by A.
Protein change: p.Val284=; no amino-acid change (valine 284 retained).
Molecular consequence: synonymous variant.
Genome position (GRCh38, 1-based): chr17:7,222,276, G>A. VCF-style: chr17-7222276-G-A. GRCh37 (hg19) VCF-style: chr17-7125595-G-A.
Other names: c.786G>A, p.Val262= (NM_001033859.3); c.921G>A, p.Val307= (NM_001270447.2); c.624G>A, p.Val208= (NM_001270448.2).
Identifiers: ClinVar variation 2119597 (VCV002119597.4), dbSNP rs2508305639, ClinGen allele CA497619992.